The following is an entry in ClinVar:

ClinVar aggregate classification (germline): Uncertain significance (1 of 4 stars; one submission).

Conditions:
Cystic fibrosis (CF). Also called: MUCOVISCIDOSIS. Identifiers: Orphanet 586, MedGen C0010674, MONDO:0009061, OMIM 219700. Disease mechanism: loss of function.

Submission:

Labcorp Genetics (formerly Invitae), Labcorp
Classification: Uncertain significance for Cystic fibrosis. Last evaluated: 2024-06-18. Review status: criteria provided, single submitter. Criteria: Invitae Variant Classification Sherloc (09022015). Collection method: clinical testing. Allele origin: germline.
Comment: This sequence change replaces valine, which is neutral and non-polar, with leucine, which is neutral and non-polar, at codon 397 of the CFTR protein (p.Val397Leu). This variant is not present in population databases (gnomAD no frequency). This variant has not been reported in the literature in individuals affected with CFTR-related conditions. Advanced modeling of protein sequence and biophysical properties (such as structural, functional, and spatial information, amino acid conservation, physicochemical variation, residue mobility, and thermodynamic stability) performed at Invitae indicates that this missense variant is expected to disrupt CFTR protein function with a positive predictive value of 80%. In summary, the available evidence is currently insufficient to determine the role of this variant in disease. Therefore, it has been classified as a Variant of Uncertain Significance.

NM_000492.4(CFTR):c.1189G>T (p.Val397Leu)

Gene: CFTR (CF transmembrane conductance regulator; plus strand). Cytogenetic location: 7q31.2.
Variant type: single nucleotide variant.
Coding change: c.1189G>T on transcript NM_000492.4 (MANE Select); coding-DNA position 1189, G replaced by T.
Protein change: p.Val397Leu; replaces valine 397 with leucine.
Molecular consequence: missense variant.
Genome position (GRCh38, 1-based): chr7:117,542,088, G>T. VCF-style: chr7-117542088-G-T. GRCh37 (hg19) VCF-style: chr7-117182142-G-T.
Other names: short protein forms V397L.
Identifiers: ClinVar variation 3610358 (VCV003610358.2).